The following is an entry in ClinVar:

NM_198880.3(QRICH1):c.1151T>G (p.Phe384Cys)

Gene: QRICH1 (glutamine rich 1; minus strand). Cytogenetic location: 3p21.31.
Variant type: single nucleotide variant.
Coding change: c.1151T>G on transcript NM_198880.3 (MANE Select); coding-DNA position 1151, T replaced by G.
Protein change: p.Phe384Cys; replaces phenylalanine 384 with cysteine.
Molecular consequence: missense variant.
Genome position (GRCh38, 1-based): chr3:49,057,049, A>C on the plus strand (T>G on the coding strand, the complement: QRICH1 is on the minus strand). VCF-style: chr3-49057049-A-C. GRCh37 (hg19) VCF-style: chr3-49094482-A-C.
Other names: c.1151T>G, p.Phe384Cys (NM_001320580.2, NM_001320581.2, NM_001320582.2 and 4 more transcripts); short protein forms F384C.
Identifiers: ClinVar variation 3345786 (VCV003345786.1).

ClinVar aggregate classification (germline): Uncertain significance (0 of 4 stars; one submission).

Conditions:
QRICH1-related disorder. Also called: QRICH1-related condition.

Submission:

PreventionGenetics, part of Exact Sciences
Classification: Uncertain significance for QRICH1-related condition. Last evaluated: 2024-05-21. Review status: no assertion criteria provided. Collection method: clinical testing. Allele origin: germline.
Comment: The QRICH1 c.1151T>G variant is predicted to result in the amino acid substitution p.Phe384Cys. To our knowledge, this variant has not been reported in the literature or in a large population database, indicating this variant is rare. At this time, the clinical significance of this variant is uncertain due to the absence of conclusive functional and genetic evidence.